The following is an entry in ClinVar:

ClinVar aggregate classification (germline): Uncertain significance (1 of 4 stars; one submission).

Allele frequency attached by ClinVar (database versions not stated): 1000 Genomes Project 30x 0.00047; gnomAD 0.00031; ESP Exome Variant Server 0.00038; 1000 Genomes Project 0.00060.
gnomAD v4.1: 352 of 1,613,942 alleles (0.022%); highest among the groups gnomAD compares: African/African-American, 0.085%; 2 homozygotes.

Submission:

Labcorp Genetics (formerly Invitae), Labcorp
Classification: Uncertain significance. Last evaluated: 2026-01-07. Review status: criteria provided, single submitter. Criteria: Invitae Variant Classification Sherloc (09022015). Collection method: clinical testing. Allele origin: germline.
Comment: This sequence change replaces arginine, which is basic and polar, with cysteine, which is neutral and slightly polar, at codon 692 of the TRAP1 protein (p.Arg692Cys). This variant is present in population databases (rs143664485, gnomAD 0.06%), and has an allele count higher than expected for a pathogenic variant. This variant has not been reported in the literature in individuals affected with TRAP1-related conditions. ClinVar contains an entry for this variant (Variation ID: 2715357). Invitae Evidence Modeling of protein sequence and biophysical properties (such as structural, functional, and spatial information, amino acid conservation, physicochemical variation, residue mobility, and thermodynamic stability) indicates that this missense variant is expected to disrupt TRAP1 protein function with a positive predictive value of 80%. In summary, the available evidence is currently insufficient to determine the role of this variant in disease. Therefore, it has been classified as a Variant of Uncertain Significance.

NM_016292.3(TRAP1):c.2074C>T (p.Arg692Cys)

Genes: DNASE1 (deoxyribonuclease 1; plus strand), TRAP1 (TNF receptor associated protein 1; minus strand). Cytogenetic location: 16p13.3.
Variant type: single nucleotide variant.
Coding change: c.2074C>T on transcript NM_016292.3 (MANE Select); coding-DNA position 2074, C replaced by T.
Protein change: p.Arg692Cys; replaces arginine 692 with cysteine.
Molecular consequence: missense variant. On other transcripts: intron variant (1).
Genome position (GRCh38, 1-based): chr16:3,658,170, G>A on the plus strand (C>T on the coding strand, the complement: TRAP1 is on the minus strand). VCF-style: chr16-3658170-G-A. GRCh37 (hg19) VCF-style: chr16-3708171-G-A.
Other names: c.1915C>T, p.Arg639Cys (NM_001272049.2); c.*21+303G>A (NM_001387140.1); short protein forms R692C, R639C.
Identifiers: ClinVar variation 2715357 (VCV002715357.3), dbSNP rs143664485, ClinGen allele CA7867623.
Genomic context (GRCh38, chr16:3,658,170, plus strand): 5'-CCTTCTGGCCCCCTGGCTGTCAGTGTCGCTCCAGGGCCTTGACAAGCAGCTCATTCAAGC[G>A]GCCCACCATGGCCCTAGGGTCGTCAACAAGTCCAGCAGCAATCATGGCGTTCTCGTATAT-3'
Protein context (NP_057376.2, residues 682-702): LVDDPRAMVG[Arg692Cys]LNELLVKALE